The following is an entry in ClinVar:

ClinVar aggregate classification (germline): Pathogenic. Review status: reviewed by expert panel (3 of 4 stars). 2 submissions from 2 submitters: Pathogenic (1). 1 of the submissions does not count toward it. Last evaluated 2025-05-19.

Conditions:
Mucopolysaccharidosis type 1. Also called: IDUA deficiency; MPS I; Mucopolysaccharidosis Type I. Identifiers: Orphanet 579, MedGen C0023786, MONDO:0001586.

Submissions (2):

ClinGen Lysosomal Storage Disorder Variant Curation Expert Panel
Classification: Pathogenic for Mucopolysaccharidosis type 1. Last evaluated: 2025-05-19. Review status: reviewed by expert panel. Criteria: ClinGen LSD ACMG Specifications IDUA V1.0.0. Collection method: curation. Allele origin: germline. Inheritance: Autosomal recessive inheritance.
Comment: The NM_000203.5:c.386-1G>A variant in IDUA occurs within the canonical splice acceptor site of intron 3. It is predicted to cause skipping of biologically-relevant-exon 4 out of 14, resulting in an in-frame deletion of 36 amino acids which represents <10% of the protein (PVS1_Moderate). This variant has been detected in at least 3 individuals with MPS I. Of those individuals, one proband was compound heterozygous for the variant and c.1205G>A p.(Trp402Ter) (ClinVar Variation ID: 11908), which is classified as pathogenic by the ClinGen Lysosomal Diseases VCEP; it is unknown if these variants were confirmed in trans (PMID 28752568, 0.5 points). The other two individuals were homozygous for the variant (PMID: 28752568, 1 point) (PM3). These three patients are documented to meet criteria for severe MPS I based on their clinical presentation; one child has confirmed reduced IDUA and "clinical features" meeting severe phenotype (PMID: 28752568) (PP4_Moderate). (PP4_Moderate) (PMID 28752568). This variant is absent in gnomAD v4.1.0. (PM2_Supporting). A variant within same splice donor/acceptor ±1,2 dinucleotide, resulting from a different nucleotide change (c.386-2A>G) (Variation ID 222994) is classified as pathogenic for MPS I by the ClinGen Lysosomal Diseases VCEP (Accession: SCV005619878.1) (PS1). There is a ClinVar entry for this variant (Variation ID: 1458772). In summary, this variant meets the criteria to be classified as pathogenic for MPS I based on the IDUA-specific ACMG/AMP criteria applied, as specified by the ClinGen Lysosomal Diseases Variant Curation Expert Panel (specifications Version 1.0.0): PS1, PVS1_moderate, PM3, PP4_moderate, PM2_supporting. (Classification approved by the ClinGen Lysosomal Diseases Variant Curation Expert Panel on May 19, 2025).

Labcorp Genetics (formerly Invitae), Labcorp
Classification: Pathogenic for Mucopolysaccharidosis type 1. Last evaluated: 2023-09-08. Review status: criteria provided, single submitter. Criteria: Invitae Variant Classification Sherloc (09022015). Collection method: clinical testing. Allele origin: germline. Not counted in ClinVar's aggregate classification.
Comment: For these reasons, this variant has been classified as Pathogenic. Algorithms developed to predict the effect of sequence changes on RNA splicing suggest that this variant may disrupt the consensus splice site. ClinVar contains an entry for this variant (Variation ID: 1458772). Disruption of this splice site has been observed in individual(s) with mucopolysaccharidosis type I (PMID: 28752568). In at least one individual the data is consistent with being in trans (on the opposite chromosome) from a pathogenic variant. This variant is not present in population databases (gnomAD no frequency). This sequence change affects an acceptor splice site in intron 3 of the IDUA gene. It is expected to disrupt RNA splicing. Variants that disrupt the donor or acceptor splice site typically lead to a loss of protein function (PMID: 16199547), and loss-of-function variants in IDUA are known to be pathogenic (PMID: 11735025, 21480867).

Literature cited by the submitters: PubMed 28752568 (cited by Labcorp Genetics (formerly Invitae), Labcorp); PubMed 16199547 (cited by Labcorp Genetics (formerly Invitae), Labcorp); PubMed 11735025 (cited by Labcorp Genetics (formerly Invitae), Labcorp); PubMed 21480867 (cited by Labcorp Genetics (formerly Invitae), Labcorp).

NM_000203.5(IDUA):c.386-1G>A

Gene: IDUA (alpha-L-iduronidase; plus strand). Cytogenetic location: 4p16.3.
Variant type: single nucleotide variant.
Coding change: c.386-1G>A on transcript NM_000203.5 (MANE Select); the canonical splice acceptor site of the intron before coding-DNA position 386, G replaced by A.
Molecular consequence: splice acceptor variant.
Genome position (GRCh38, 1-based): chr4:1,000,881, G>A. VCF-style: chr4-1000881-G-A. GRCh37 (hg19) VCF-style: chr4-994669-G-A.
Other names: c.-11-1G>A (NM_001363576.1).
Identifiers: ClinVar variation 1458772 (VCV001458772.7), dbSNP rs2153021698, ClinGen allele CA355961254.
Genomic context (GRCh38, chr4:1,000,881, plus strand): 5'-GGCCTGGCAGAGCATGGGTGTGGTGTGTGGTGGGCGGTGGGGCAGCCCTCCTGTGTTCCA[G>A]GGTTTGAGCTGATGGGCAGCGCCTCGGGCCACTTCACTGACTTTGAGGACAAGCAGCAGG-3'